The following is an entry in ClinVar:

NM_020433.5(JPH2):c.517G>C (p.Gly173Arg)

Gene: JPH2 (junctophilin 2; minus strand). Cytogenetic location: 20q13.12.
Variant type: single nucleotide variant.
Coding change: c.517G>C on transcript NM_020433.5 (MANE Select); coding-DNA position 517, G replaced by C.
Protein change: p.Gly173Arg; replaces glycine 173 with arginine.
Molecular consequence: missense variant.
Genome position (GRCh38, 1-based): chr20:44,160,270, C>G on the plus strand (G>C on the coding strand, the complement: JPH2 is on the minus strand). VCF-style: chr20-44160270-C-G. GRCh37 (hg19) VCF-style: chr20-42788910-C-G.
Other names: short protein forms G173R.
Identifiers: ClinVar variation 834540 (VCV000834540.12), dbSNP rs757693348, ClinGen allele CA409094223.
Genomic context (GRCh38, chr20:44,160,270, plus strand): 5'-GCGAGGGCAGCGCGGGGCCGTCGGAGGCCGGCGAGGCGGGAGAGTCCGGGGCCACCGTGC[C>G]GTTGCTGTGCTCGCTGCGCAGGGACGACAGCGACGTGCGCAGCGGCGAGCGCACCACCAC-3'
Protein context (NP_065166.2, residues 163-183): LSSLRSEHSN[Gly173Arg]TVAPDSPASP

ClinVar aggregate classification (germline): Uncertain significance. Review status: criteria provided, multiple submitters, no conflicts (2 of 4 stars). 2 submissions from 2 submitters: Uncertain significance (2). Last evaluated 2019-12-31.

Conditions:
Hypertrophic cardiomyopathy. Also called: HYPERTROPHIC MYOCARDIOPATHY. Identifiers: Orphanet 217569, MedGen C0007194, MeSH D002312, MONDO:0005045, HP:0001639.

Submissions (2):

Labcorp Genetics (formerly Invitae), Labcorp
Classification: Uncertain significance for Hypertrophic cardiomyopathy. Last evaluated: 2019-12-31. Review status: criteria provided, single submitter. Criteria: Invitae Variant Classification Sherloc (09022015). Collection method: clinical testing. Allele origin: germline.
Comment: This sequence change replaces glycine with arginine at codon 173 of the JPH2 protein (p.Gly173Arg). The glycine residue is highly conserved and there is a moderate physicochemical difference between glycine and arginine. The frequency data for this variant in the population databases is considered unreliable, as metrics indicate insufficient coverage at this position in the ExAC database. In summary, the available evidence is currently insufficient to determine the role of this variant in disease. Therefore, it has been classified as a Variant of Uncertain Significance. Algorithms developed to predict the effect of missense changes on protein structure and function are either unavailable or do not agree on the potential impact of this missense change (SIFT: "Deleterious"; PolyPhen-2: "Probably Damaging"; Align-GVGD: "Class C0"). This variant has not been reported in the literature in individuals with JPH2-related conditions.

GeneDx
Classification: Uncertain significance. Last evaluated: 2019-06-26. Review status: criteria provided, single submitter. Criteria: GeneDx Variant Classification Process June 2021. Collection method: clinical testing. Allele origin: germline. Affected: yes.
Comment: Has not been previously published as pathogenic or benign to our knowledge; Not observed in large population cohorts (Lek et al., 2016); In silico analysis, which includes protein predictors and evolutionary conservation, supports a deleterious effect